The following is an entry in ClinVar:

NM_003458.4(BSN):c.3638G>A (p.Gly1213Asp)

Gene: BSN (bassoon presynaptic cytomatrix protein; plus strand). Cytogenetic location: 3p21.31.
Variant type: single nucleotide variant.
Coding change: c.3638G>A on transcript NM_003458.4 (MANE Select); coding-DNA position 3638, G replaced by A.
Protein change: p.Gly1213Asp; replaces glycine 1213 with aspartic acid.
Molecular consequence: missense variant.
Genome position (GRCh38, 1-based): chr3:49,653,194, G>A. VCF-style: chr3-49653194-G-A. GRCh37 (hg19) VCF-style: chr3-49690627-G-A.
Other names: short protein forms G1213D.
Identifiers: ClinVar variation 3060216 (VCV003060216.2), dbSNP rs35762866, ClinGen allele CA2399992.

ClinVar aggregate classification (germline): Benign (0 of 4 stars; one submission).

Conditions:
BSN-related disorder. Also called: BSN-related condition.

Allele frequency attached by ClinVar (database versions not stated): 1000 Genomes Project 0.03674; 1000 Genomes Project 30x 0.03763; TOPMed 0.07559; ESP Exome Variant Server 0.08127; gnomAD 0.08263; ExAC 0.08349; gnomAD exomes 0.10714.
gnomAD v4.1: 167,728 of 1,610,814 alleles (10%); highest among the groups gnomAD compares: Non-Finnish European, 12%; 9,980 homozygotes.

Submission:

PreventionGenetics, part of Exact Sciences
Classification: Benign for BSN-related condition. Last evaluated: 2019-11-18. Review status: no assertion criteria provided. Collection method: clinical testing. Allele origin: germline.
Comment: This variant is classified as benign based on ACMG/AMP sequence variant interpretation guidelines (Richards et al. 2015 PMID: 25741868, with internal and published modifications).